The following is an entry in ClinVar:

NM_000823.4(GHRHR):c.1268G>A (p.Cys423Tyr)

Gene: GHRHR (growth hormone releasing hormone receptor; plus strand). Cytogenetic location: 7p14.3.
Variant type: single nucleotide variant.
Coding change: c.1268G>A on transcript NM_000823.4 (MANE Select); coding-DNA position 1268, G replaced by A.
Protein change: p.Cys423Tyr; replaces cysteine 423 with tyrosine.
Molecular consequence: missense variant.
Genome position (GRCh38, 1-based): chr7:30,979,240, G>A. VCF-style: chr7-30979240-G-A. GRCh37 (hg19) VCF-style: chr7-31018855-G-A.
Other names: short protein forms C423Y.
Identifiers: ClinVar variation 1519226 (VCV001519226.8), dbSNP rs139763309, ClinGen allele CA4208862.
Genomic context (GRCh38, chr7:30,979,240, plus strand): 5'-GGACCCGTGCTAAGTGGACCACGCCTTCCCGCTCGGCGGCAAAGGTGCTGACATCTATGT[G>A]CTAGGCTGCCTCATCACGCCACTGGAGTCCACACTTGAATTTGGGCAGCTACCACGGGTC-3'
Protein context (NP_000814.2, residues 413-423): RSAAKVLTSM[Cys423Tyr]

ClinVar aggregate classification (germline): Uncertain significance. Review status: criteria provided, multiple submitters, no conflicts (2 of 4 stars). 3 submissions from 3 submitters: Uncertain significance (3). Last evaluated 2025-12-10.

Allele frequency attached by ClinVar (database versions not stated): ExAC 0.00010; gnomAD exomes 0.00015 and 0.00037; ESP Exome Variant Server 0.00023; gnomAD 0.00024 and 0.00027; TOPMed 0.00024.
gnomAD v4.1: 570 of 1,613,678 alleles (0.035%); highest among the groups gnomAD compares: Non-Finnish European, 0.046%; no homozygotes.

Submissions (3):

Women's Health and Genetics/Laboratory Corporation of America, LabCorp
Classification: Uncertain significance. Last evaluated: 2025-12-10. Review status: criteria provided, single submitter. Criteria: LabCorp Variant Classification Summary - May 2015. Collection method: clinical testing. Allele origin: germline.
Comment: Variant summary: GHRHR c.1268G>A (p.Cys423Tyr) results in a non-conservative amino acid change in the encoded protein sequence. Algorithms developed to predict the effect of missense changes on protein structure and function are either unavailable or do not agree on the potential impact of this missense change. The variant allele was found at a frequency of 0.00015 in 251138 control chromosomes. This frequency is not significantly higher than estimated for disease-causing variants in GHRHR, allowing no conclusion about variant significance. To our knowledge, no occurrence of c.1268G>A in individuals affected with GHRHR-related conditions has been reported. One publication reports experimental evidence evaluating an impact on protein function, however, does not allow convincing conclusions about the variant effect (example, Lee_2001). The following publications have been ascertained in the context of this evaluation (PMID: 11502843, 31785789). ClinVar contains an entry for this variant (Variation ID: 1519226). Based on the evidence outlined above, the variant was classified as uncertain significance.

Blueprint Genetics
Classification: Uncertain significance. Last evaluated: 2024-09-11. Review status: criteria provided, single submitter. Criteria: ACMG Guidelines, 2015. Collection method: clinical testing. Allele origin: germline.

Labcorp Genetics (formerly Invitae), Labcorp
Classification: Uncertain significance. Last evaluated: 2023-10-03. Review status: criteria provided, single submitter. Criteria: Invitae Variant Classification Sherloc (09022015). Collection method: clinical testing. Allele origin: germline.
Comment: This sequence change replaces cysteine, which is neutral and slightly polar, with tyrosine, which is neutral and polar, at codon 423 of the GHRHR protein (p.Cys423Tyr). This variant is present in population databases (rs139763309, gnomAD 0.03%). This variant has not been reported in the literature in individuals affected with GHRHR-related conditions. ClinVar contains an entry for this variant (Variation ID: 1519226). An algorithm developed to predict the effect of missense changes on protein structure and function (PolyPhen-2) suggests that this variant is likely to be disruptive. In summary, the available evidence is currently insufficient to determine the role of this variant in disease. Therefore, it has been classified as a Variant of Uncertain Significance.

Literature cited by the submitters: PubMed 11502843 (cited by Women's Health and Genetics/Laboratory Corporation of America, LabCorp); PubMed 31785789 (cited by Women's Health and Genetics/Laboratory Corporation of America, LabCorp).